The following is an entry in ClinVar:

ClinVar aggregate classification (germline): Conflicting classifications of pathogenicity. Review status: criteria provided, conflicting classifications (1 of 4 stars). 3 submissions from 3 submitters: Likely pathogenic (1); Uncertain significance (2). Last evaluated 2026-03-10.

Conditions:
Fanconi anemia complementation group O. Also called: RAD51C-Related Fanconi Anemia. Identifiers: Orphanet 84, MedGen C3150653, MONDO:0013248, OMIM 613390.
Hereditary cancer-predisposing syndrome. Also called: Tumor predisposition; Hereditary neoplastic syndrome; Neoplastic Syndromes, Hereditary; Hereditary Cancer Syndrome. Identifiers: Orphanet 140162, MedGen C0027672, MeSH D009386, MONDO:0015356.
Hereditary breast ovarian cancer syndrome. Also called: Hereditary breast and ovarian cancer syndrome (HBOC); Breast and ovarian cancer; Hereditary breast and ovarian cancer; Hereditary breast and/or ovarian cancer syndrome; BRCA1- and BRCA2-Associated Hereditary Breast and Ovarian Cancer; Hereditary breast and ovarian cancer syndrome. Identifiers: Orphanet 145, MedGen C0677776, MeSH D061325, MONDO:0003582. Disease mechanism: loss of function.

Submissions (3):

German Consortium for Hereditary Breast and Ovarian Cancer, University Hospital Cologne
Classification: Likely pathogenic for Hereditary breast ovarian cancer syndrome. Last evaluated: 2026-03-10. Review status: criteria provided, single submitter. Criteria: ACMG SVI. Collection method: curation. Allele origin: germline.
Comment: This classification follows the ACMG SVI adaptation classification scheme; We chose these criteria: PVS1 (strong pathogenic): As per Tayoun (2018, PMID: 30192042): Exon skipping or use of a cryptic splice site preserves reading frame -->Truncated / altered region is critical to protein function & Variant removes >10% of protein --> STR, PS1 (supporting pathogenic): Ambry Genetics 9/25: RNA studies have demonstrated that 837+2T>C results in abnormal splicing (Sanoguera-Miralles L et al. Cancers (Basel), 2020 Dec;12, Ambry internal data). The resulting transcript is predicted to be in-frame and is not expected to trigger nonsense-mediated mRNAdecay. However, the region predicted to be impacted is critical for protein function (Ambry internal data). This nucleotide position is highly conserved in available vertebrate species. This variant is considered to be rare based on population cohorts in the Genome Aggregation Database (gnomAD). Based on the majority of available evidence to date, this variant is likely to be pathogenic, PM2 (supporting pathogenic): absent from gnomAD v2/3/4

Labcorp Genetics (formerly Invitae), Labcorp
Classification: Uncertain significance for Fanconi anemia complementation group O. Last evaluated: 2021-09-25. Review status: criteria provided, single submitter. Criteria: Invitae Variant Classification Sherloc (09022015). Collection method: clinical testing. Allele origin: germline.
Comment: This sequence change falls in intron 5 of the RAD51C gene. It does not directly change the encoded amino acid sequence of the RAD51C protein. It affects a nucleotide within the consensus splice site of the intron. This variant is not present in population databases (ExAC no frequency). This variant has not been reported in the literature in individuals affected with RAD51C-related conditions. ClinVar contains an entry for this variant (Variation ID: 921908). Variants that disrupt the consensus splice site are a relatively common cause of aberrant splicing (PMID: 17576681, 9536098). Algorithms developed to predict the effect of sequence changes on RNA splicing suggest that this variant may disrupt the consensus splice site. In summary, the available evidence is currently insufficient to determine the role of this variant in disease. Therefore, it has been classified as a Variant of Uncertain Significance.

Color Diagnostics, LLC DBA Color Health
Classification: Uncertain significance for Hereditary cancer-predisposing syndrome. Last evaluated: 2019-01-07. Review status: criteria provided, single submitter. Criteria: ACMG Guidelines, 2015. Collection method: clinical testing. Allele origin: germline.

Literature cited by the submitters: PubMed 17576681 (cited by Labcorp Genetics (formerly Invitae), Labcorp); PubMed 9536098 (cited by Labcorp Genetics (formerly Invitae), Labcorp).

NM_058216.3(RAD51C):c.837+2dup

Gene: RAD51C (RAD51 paralog C; plus strand). Cytogenetic location: 17q22.
Variant type: Duplication.
Coding change: c.837+2dup on transcript NM_058216.3 (MANE Select); the canonical splice donor site of the intron after coding-DNA position 837, one base duplicated (T; older notation c.837+2dupT).
Molecular consequence: splice donor variant.
Genome position (GRCh38, 1-based): chr17:58,709,992, T duplicated. VCF-style (leftmost placement, unchanged base first): chr17-58709991-G-GT. GRCh37 (hg19) VCF-style: chr17-56787352-G-GT.
Identifiers: ClinVar variation 921908 (VCV000921908.9), dbSNP rs2048502931, ClinGen allele CA913188883.